The following is an entry in ClinVar:

NM_020745.4(AARS2):c.604T>C (p.Ser202Pro)

Gene: AARS2 (alanyl-tRNA synthetase 2, mitochondrial; minus strand). Cytogenetic location: 6p21.1.
Variant type: single nucleotide variant.
Coding change: c.604T>C on transcript NM_020745.4 (MANE Select); coding-DNA position 604, T replaced by C.
Protein change: p.Ser202Pro; replaces serine 202 with proline.
Molecular consequence: missense variant.
Genome position (GRCh38, 1-based): chr6:44,311,139, A>G on the plus strand (T>C on the coding strand, the complement: AARS2 is on the minus strand). VCF-style: chr6-44311139-A-G. GRCh37 (hg19) VCF-style: chr6-44278876-A-G.
Other names: short protein forms S202P.
Identifiers: ClinVar variation 1717202 (VCV001717202.3), dbSNP rs1306447247, ClinGen allele CA364341066.

ClinVar aggregate classification (germline): Uncertain significance (1 of 4 stars; one submission).

Allele frequency attached by ClinVar (database versions not stated): gnomAD exomes below 0.00001.
gnomAD v4.1: 1 of 1,614,148 alleles (0.000062%); highest among the groups gnomAD compares: Non-Finnish European, 0.000085%; no homozygotes.

Submission:

Labcorp Genetics (formerly Invitae), Labcorp
Classification: Uncertain significance. Last evaluated: 2022-08-20. Review status: criteria provided, single submitter. Criteria: Invitae Variant Classification Sherloc (09022015). Collection method: clinical testing. Allele origin: germline.
Comment: This sequence change replaces serine, which is neutral and polar, with proline, which is neutral and non-polar, at codon 202 of the AARS2 protein (p.Ser202Pro). This variant is present in population databases (no rsID available, gnomAD 0.0009%). This variant has not been reported in the literature in individuals affected with AARS2-related conditions. Advanced modeling of protein sequence and biophysical properties (such as structural, functional, and spatial information, amino acid conservation, physicochemical variation, residue mobility, and thermodynamic stability) performed at Invitae indicates that this missense variant is not expected to disrupt AARS2 protein function. In summary, the available evidence is currently insufficient to determine the role of this variant in disease. Therefore, it has been classified as a Variant of Uncertain Significance.